The following is an entry in ClinVar:

NM_138694.4(PKHD1):c.8669G>A (p.Trp2890Ter)

Gene: PKHD1 (PKHD1 ciliary IPT domain containing fibrocystin/polyductin; minus strand). Cytogenetic location: 6p12.3.
Variant type: single nucleotide variant.
Coding change: c.8669G>A on transcript NM_138694.4 (MANE Select); coding-DNA position 8669, G replaced by A.
Protein change: p.Trp2890Ter; replaces tryptophan 2890 with a stop codon.
Molecular consequence: nonsense.
Genome position (GRCh38, 1-based): chr6:51,754,912, C>T on the plus strand (G>A on the coding strand, the complement: PKHD1 is on the minus strand). VCF-style: chr6-51754912-C-T. GRCh37 (hg19) VCF-style: chr6-51619710-C-T.
Other names: c.8669G>A, p.Trp2890Ter (NM_170724.3); short protein forms W2890*.
Identifiers: ClinVar variation 4060280 (VCV004060280.2).

ClinVar aggregate classification (germline): Likely pathogenic (1 of 4 stars; one submission).

Conditions:
Autosomal recessive polycystic kidney disease (ARPKD). Also called: AR polycystic kidney disease. Identifiers: Orphanet 731, Orphanet 8378, MedGen C0085548, MeSH D017044, MONDO:0009889.

Submission:

Natera, Inc.
Classification: Likely pathogenic for Autosomal recessive polycystic kidney disease. Last evaluated: 2025-02-10. Review status: criteria provided, single submitter. Criteria: Natera Variant Classification Schema (03/2026). Collection method: clinical testing. Allele origin: germline.
Comment: The c.8669G>A variant in PKHD1 is a nonsense variant predicted to introduce a stop codon at amino acid 2890. This variant is expected to result in nonsense mediated decay, truncation, or a dysfunctional protein product. This variant is rare in the general population with a frequency below the threshold expected for the associated phenotype(s). Given the available evidence, this variant is classified as Likely Pathogenic.